The following is an entry in ClinVar:

NM_001379403.1(WDR26):c.593C>T (p.Thr198Ile)

Gene: WDR26 (WD repeat domain 26; minus strand). Cytogenetic location: 1q42.12.
Variant type: single nucleotide variant.
Coding change: c.593C>T on transcript NM_001379403.1 (MANE Select); coding-DNA position 593, C replaced by T.
Protein change: p.Thr198Ile; replaces threonine 198 with isoleucine.
Molecular consequence: missense variant.
Genome position (GRCh38, 1-based): chr1:224,433,813, G>A on the plus strand (C>T on the coding strand, the complement: WDR26 is on the minus strand). VCF-style: chr1-224433813-G-A. GRCh37 (hg19) VCF-style: chr1-224621515-G-A.
Other names: c.293C>T, p.Thr98Ile (NM_001115113.3, NM_025160.7); short protein forms T198I, T98I.
Identifiers: ClinVar variation 5020574 (VCV005020574.1).

ClinVar aggregate classification (germline): Uncertain significance (1 of 4 stars; one submission).

gnomAD v4.1: 1 of 1,536,974 alleles (0.000065%); highest among the groups gnomAD compares: African/African-American, 0.0014%; no homozygotes.

Submission:

Dasa
Classification: Uncertain significance. Last evaluated: 2026-05-14. Review status: criteria provided, single submitter. Criteria: DASA Assertion Criteria. Collection method: clinical testing. Allele origin: germline.
Comment: NM_001379403.1(WDR26):c.593C>T (p.Thr198Ile) is a missense variant that results in the substitution of threonine with isoleucine. This variant is rare in population databases. Computational prediction algorithms are consistent with a benign effect. The currently available literature and clinical evidence are not sufficient to establish a definitive association between this variant and the reported condition. Therefore, this variant is classified as a variant of uncertain significance.